The following is an entry in ClinVar:

GRCh38/hg38 3p26.1(chr3:6476154-7285494)x3

Genes: GRM7 (glutamate metabotropic receptor 7; plus strand), GRM7-AS2 (GRM7 antisense RNA 2; minus strand), GRM7-AS3 (GRM7 antisense RNA 3; minus strand), LOC105376944 (uncharacterized LOC105376944; plus strand), LOC126806596 (CDK7 strongly-dependent group 2 enhancer GRCh37_chr3:6531900-6533099; plus strand) and 4 more. Cytogenetic location: 3p26.1.
Variant type: copy number gain.
Change: copy number 3 (three copies instead of two) of chr3:6,476,154-7,285,494 (809.3 kb, GRCh38 coordinates, 1-based), cytogenetic band 3p26.1.
Identifiers: ClinVar variation 57028 (VCV000057028.1).

ClinVar aggregate classification (germline): Uncertain significance (1 of 4 stars; one submission).

Submission:

ISCA site 4
Classification: Uncertain significance. Last evaluated: 2011-08-12. Review status: criteria provided, single submitter. Criteria: Kaminsky et al. (Genet Med. 2011). Collection method: clinical testing. Allele origin: maternal. Affected: yes. Observed: 1 variant allele.
Comment: Copy number variation identified through the course of routine clinical cytogenomic testing in postnatal populations. Clinical assertions have been curated as described in Kaminsky et al. 2011.